The following is an entry in ClinVar:

NM_000393.5(COL5A2):c.568-10G>A

Gene: COL5A2 (collagen type V alpha 2 chain; minus strand). Cytogenetic location: 2q32.2.
Variant type: single nucleotide variant.
Coding change: c.568-10G>A on transcript NM_000393.5 (MANE Select); 10 bases into the intron before coding-DNA position 568, G replaced by A.
Molecular consequence: intron variant.
Genome position (GRCh38, 1-based): chr2:189,088,782, C>T on the plus strand (G>A on the coding strand, the complement: COL5A2 is on the minus strand). VCF-style: chr2-189088782-C-T. GRCh37 (hg19) VCF-style: chr2-189953508-C-T.
Other names: p.?; c.568-10G>A (NM_000393.4).
Identifiers: ClinVar variation 136970 (VCV000136970.22), dbSNP rs58106884, ClinGen allele CA290418.

ClinVar aggregate classification (germline): Benign/Likely benign. Review status: criteria provided, multiple submitters, no conflicts (2 of 4 stars). 10 submissions from 10 submitters: Benign (9); Likely benign (1). Last evaluated 2026-02-04.

Conditions:
Ehlers-Danlos syndrome, classic type, 2 (EDSCL2). Also called: Ehlers-Danlos syndrome, type 2; Ehlers-Danlos Syndrome, Classic Type, COL5A2-Related; Ehlers-Danlos syndrome type 2 (formerly). Identifiers: Orphanet 287, Orphanet 90318, MedGen C0268336, MONDO:0019568, OMIM 130010.
Ehlers-Danlos syndrome, classic type, 1 (EDSCL1). Also called: Ehlers-Danlos syndrome, type 1; Ehlers-Danlos Syndrome, Classic Type, COL5A1-Related; EDS I; EHLERS-DANLOS SYNDROME, GRAVIS TYPE; EHLERS-DANLOS SYNDROME, SEVERE CLASSIC TYPE. Identifiers: MedGen C0268335, MONDO:0019567, OMIM 130000.

Allele frequency attached by ClinVar (database versions not stated): 1000 Genomes Project 30x 0.12789; TOPMed 0.12936; gnomAD 0.13056 and 0.13232; 1000 Genomes Project 0.13099; ESP Exome Variant Server 0.13217; gnomAD exomes 0.14089 and 0.14305; ExAC 0.14129.
gnomAD v4.1: 228,956 of 1,608,852 alleles (14%); highest among the groups gnomAD compares: Middle Eastern, 24%; 17,238 homozygotes.

Submissions (10):

Labcorp Genetics (formerly Invitae), Labcorp
Classification: Benign for Ehlers-Danlos syndrome, classic type, 1. Last evaluated: 2026-02-04. Review status: criteria provided, single submitter. Criteria: Invitae Variant Classification Sherloc (09022015). Collection method: clinical testing. Allele origin: germline.

Molecular Diagnostic Laboratory for Inherited Cardiovascular Disease, Montreal Heart Institute
Classification: Benign. Last evaluated: 2025-04-09. Review status: criteria provided, single submitter. Criteria: ACMG Guidelines, 2015. Collection method: clinical testing. Allele origin: germline. Affected: no.

Blueprint Genetics
Classification: Benign. Last evaluated: 2024-11-26. Review status: criteria provided, single submitter. Criteria: ACMG Guidelines, 2015. Collection method: clinical testing. Allele origin: germline.

Genome-Nilou Lab
Classification: Benign for Ehlers-Danlos syndrome, classic type, 2. Last evaluated: 2021-07-30. Review status: criteria provided, single submitter. Criteria: ACMG Guidelines, 2015. Collection method: clinical testing. Allele origin: germline. Affected: no.

Illumina Laboratory Services, Illumina
Classification: Benign for Ehlers-Danlos syndrome, classic type, 2. Last evaluated: 2018-01-13. Review status: criteria provided, single submitter. Criteria: ICSL Variant Classification Criteria 13 December 2019. Collection method: clinical testing. Allele origin: germline.
Comment: This variant was observed in the ICSL laboratory as part of a predisposition screen in an ostensibly healthy population. It had not been previously curated by ICSL or reported in the Human Gene Mutation Database (HGMD: prior to June 1st, 2018), and was therefore a candidate for classification through an automated scoring system. Utilizing variant allele frequency, disease prevalence and penetrance estimates, and inheritance mode, an automated score was calculated to assess if this variant is too frequent to cause the disease. Based on the score and internal cut-off values, a variant classified as benign is not then subjected to further curation. The score for this variant resulted in a classification of benign for this disease.

Mayo Clinic Laboratories, Mayo Clinic
Classification: Benign. Last evaluated: 2017-11-14. Review status: criteria provided, single submitter. Criteria: ACMG Guidelines, 2015. Collection method: clinical testing. Allele origin: germline. Observed: 1,450 variant alleles.

Women's Health and Genetics/Laboratory Corporation of America, LabCorp
Classification: Benign. Last evaluated: 2017-03-16. Review status: criteria provided, single submitter. Criteria: LabCorp Variant Classification Summary - May 2015. Collection method: clinical testing. Allele origin: germline.
Comment: Variant summary: The COL5A2 c.568-10G>A variant involves the alteration of a non-conserved intronic nucleotide. One in silico tool predicts a benign outcome for this variant. 5/5 splice prediction tools predict no significant impact on normal splicing. However, these predictions have yet to be confirmed by functional studies. This variant was found in the large control database ExAC at a frequency of 0.1412923 (17143/121330 control chromosomes [1306 homozygotes]), which is approximately 113034 times the estimated maximal expected allele frequency of a pathogenic COL5A2 variant (0.0000013), suggesting this variant is likely a benign polymorphism. In addition, multiple clinical diagnostic laboratories/reputable databases classified this variant as benign. To our knowledge, the variant of interest has not been reported in affected individuals via publications, nor has it been evaluated for functional impact by in vivo/vitro studies. Taken together, this variant is classified as benign.

GeneDx
Classification: Benign. Last evaluated: 2012-11-16. Review status: criteria provided, single submitter. Criteria: GeneDx Variant Classification (06012015). Collection method: clinical testing. Allele origin: germline. Affected: yes.
Comment: This variant is considered likely benign or benign based on one or more of the following criteria: it is a conservative change, it occurs at a poorly conserved position in the protein, it is predicted to be benign by multiple in silico algorithms, and/or has population frequency not consistent with disease.

Breakthrough Genomics
Classification: Likely benign. Review status: criteria provided, single submitter. Criteria: ACMG Guidelines, 2015. Collection method: not provided. Allele origin: germline. Inheritance: Autosomal dominant inheritance. Affected: yes.

PreventionGenetics, part of Exact Sciences
Classification: Benign. Review status: criteria provided, single submitter. Criteria: ACMG Guidelines, 2015. Collection method: clinical testing. Allele origin: germline.